The following is an entry in ClinVar:

ClinVar aggregate classification (germline): Benign/Likely benign. Review status: criteria provided, multiple submitters, no conflicts (2 of 4 stars). 6 submissions from 6 submitters: Benign (1); Likely benign (5). Last evaluated 2025-09-30.

Conditions:
Hereditary cancer-predisposing syndrome. Also called: Hereditary neoplastic syndrome; Tumor predisposition; Hereditary Cancer Syndrome; Neoplastic Syndromes, Hereditary. Identifiers: Orphanet 140162, MedGen C0027672, MeSH D009386, MONDO:0015356.
Hereditary nonpolyposis colorectal neoplasms. Identifiers: MedGen C0009405, MeSH D003123.
Lynch syndrome. Identifiers: Orphanet 144, MedGen C4552100, MONDO:0005835. Disease mechanism: loss of function.
Lynch syndrome 5 (LYNCH5). Also called: Colorectal cancer, hereditary nonpolyposis, type 5; Hereditary non-polyposis colorectal cancer, type 5. Identifiers: Orphanet 144, MedGen C1833477, MONDO:0013710, OMIM 614350. Disease mechanism: loss of function.

Allele frequency attached by ClinVar (database versions not stated): TOPMed below 0.00001; gnomAD 0.00001.
gnomAD v4.1: 1 of 1,614,080 alleles (0.000062%); highest among the groups gnomAD compares: Non-Finnish European, 0.000085%; no homozygotes.

Submissions (6):

Labcorp Genetics (formerly Invitae), Labcorp
Classification: Likely benign for Hereditary nonpolyposis colorectal neoplasms. Last evaluated: 2025-09-30. Review status: criteria provided, single submitter. Criteria: Invitae Variant Classification Sherloc (09022015). Collection method: clinical testing. Allele origin: germline.

Myriad Genetics, Inc.
Classification: Benign for Lynch syndrome 5. Last evaluated: 2025-01-06. Review status: criteria provided, single submitter. Criteria: Myriad Autosomal Dominant, Autosomal Recessive and X-Linked Classification Criteria (2023). Collection method: clinical testing. Allele origin: unknown.
Comment: This variant is considered benign. This variant is a silent/synonymous amino acid change and it is not expected to impact splicing.

All of Us Research Program, National Institutes of Health
Classification: Likely benign for Lynch syndrome. Last evaluated: 2023-06-08. Review status: criteria provided, single submitter. Criteria: ACMG Guidelines, 2015. Collection method: clinical testing. Allele origin: germline. Inheritance: Autosomal dominant inheritance. Observed: 2 variant alleles, 2 heterozygotes.
Comment: This study involves interpretation of variants in research participants for the purpose of population health screening. Participant phenotype was not available at the time of variant classification. Additional details can be found in publication PMID: 35346344, PMCID: PMC8962531

Color Diagnostics, LLC DBA Color Health
Classification: Likely benign for Hereditary cancer-predisposing syndrome. Last evaluated: 2017-10-09. Review status: criteria provided, single submitter. Criteria: ACMG Guidelines, 2015. Collection method: clinical testing. Allele origin: germline.

GeneDx
Classification: Likely benign. Last evaluated: 2016-12-12. Review status: criteria provided, single submitter. Criteria: GeneDx Variant Classification (06012015). Collection method: clinical testing. Allele origin: germline. Affected: yes.
Comment: This variant is considered likely benign or benign based on one or more of the following criteria: it is a conservative change, it occurs at a poorly conserved position in the protein, it is predicted to be benign by multiple in silico algorithms, and/or has population frequency not consistent with disease.

Ambry Genetics
Classification: Likely benign for Hereditary cancer-predisposing syndrome. Last evaluated: 2016-06-29. Review status: criteria provided, single submitter. Criteria: Ambry Variant Classification Scheme 2023. Collection method: clinical testing. Allele origin: germline.

NM_000179.3(MSH6):c.3324T>C (p.Phe1108=)

Gene: MSH6 (mutS homolog 6; plus strand). Cytogenetic location: 2p16.3.
Variant type: single nucleotide variant.
Coding change: c.3324T>C on transcript NM_000179.3 (MANE Select); coding-DNA position 3324, T replaced by C.
Protein change: p.Phe1108=; no amino-acid change (phenylalanine 1108 retained).
Molecular consequence: synonymous variant.
Genome position (GRCh38, 1-based): chr2:47,803,571, T>C. VCF-style: chr2-47803571-T-C. GRCh37 (hg19) VCF-style: chr2-48030710-T-C.
Other names: c.2934T>C, p.Phe978= (NM_001281492.2); c.2418T>C, p.Phe806= (NM_001281493.2, NM_001281494.2).
Identifiers: ClinVar variation 219425 (VCV000219425.19), dbSNP rs864622081, ClinGen allele CA350723.